The following is an entry in ClinVar:

ClinVar aggregate classification (germline): Pathogenic (1 of 4 stars; one submission).

Submission:

Labcorp Genetics (formerly Invitae), Labcorp
Classification: Pathogenic. Last evaluated: 2025-01-11. Review status: criteria provided, single submitter. Criteria: Invitae Variant Classification Sherloc (09022015). Collection method: clinical testing. Allele origin: germline.
Comment: This sequence change creates a premature translational stop signal (p.Gly317Alafs*57) in the ABCA4 gene. It is expected to result in an absent or disrupted protein product. Loss-of-function variants in ABCA4 are known to be pathogenic (PMID: 10958761, 24938718, 25312043, 26780318). This variant is present in population databases (rs761093501, gnomAD 0.0009%). This premature translational stop signal has been observed in individual(s) with ABCA4-related conditions (PMID: 20647261, 32307445). For these reasons, this variant has been classified as Pathogenic.

Literature cited by the submitters: PubMed 10958761; PubMed 24938718; PubMed 25312043; PubMed 26780318; PubMed 20647261; PubMed 32307445.

NM_000350.3(ABCA4):c.950del (p.Gly317fs)

Gene: ABCA4 (ATP binding cassette subfamily A member 4; minus strand). Cytogenetic location: 1p22.1.
Variant type: Deletion.
Coding change: c.950del on transcript NM_000350.3 (MANE Select); coding-DNA position 950, one base deleted (G; older notation c.950delG).
Protein change: p.Gly317fs; shifts the reading frame from glycine 317.
Molecular consequence: frameshift variant.
Genome position (GRCh38, 1-based): chr1:94,080,627, C deleted on the plus strand (G on the coding strand, the reverse complement: ABCA4 is on the minus strand); the first of 3 consecutive C bases (chr1:94,080,627-94,080,629); deleting any one gives the same sequence. VCF-style (leftmost placement, unchanged base first): chr1-94080626-GC-G. GRCh37 (hg19) VCF-style: chr1-94546182-GC-G.
Other names: c.950del, p.Gly317fs (NM_001425324.1); short protein forms G317fs.
Identifiers: ClinVar variation 3720228 (VCV003720228.2).
Genomic context (GRCh38, chr1:94,080,626, plus strand): 5'-GAAGGAGAGCACCCGAGAGCCACCTCCCTCGGGGTAGCCACACAGGAGGTCAGACAGGAT[GC>G]CCATCAGCTTTGTAAAGGTCTCTGGACCACCATTCTGCATGAGGGGCCTGGTCACCCACA-3'